The following is an entry in ClinVar:

NM_000051.4(ATM):c.3403-6T>G

Gene: ATM (ATM serine/threonine kinase; plus strand). Cytogenetic location: 11q22.3.
Variant type: single nucleotide variant.
Coding change: c.3403-6T>G on transcript NM_000051.4 (MANE Select); 6 bases into the intron before coding-DNA position 3403, T replaced by G.
Molecular consequence: intron variant.
Genome position (GRCh38, 1-based): chr11:108,280,989, T>G. VCF-style: chr11-108280989-T-G. GRCh37 (hg19) VCF-style: chr11-108151716-T-G.
Other names: c.3403-6T>G (NM_001351834.2).
Identifiers: ClinVar variation 1020830 (VCV001020830.8), dbSNP rs2082201418, ClinGen allele CA1998788636.

ClinVar aggregate classification (germline): Uncertain significance (1 of 4 stars; one submission).

Conditions:
Ataxia-telangiectasia syndrome (AT). Also called: ATAXIA-TELANGIECTASIA, FRESNO VARIANT; Ataxia-telangiectasia, complementation group D; AT, COMPLEMENTATION GROUP C; Cerebello-oculocutaneous telangiectasia; Immunodeficiency with ataxia telangiectasia; Ataxia telangiectasia (A-T). Identifiers: Orphanet 100, MedGen C0004135, MONDO:0008840, OMIM 208900.

Submission:

Labcorp Genetics (formerly Invitae), Labcorp
Classification: Uncertain significance for Ataxia-telangiectasia syndrome. Last evaluated: 2018-06-23. Review status: criteria provided, single submitter. Criteria: Invitae Variant Classification Sherloc (09022015). Collection method: clinical testing. Allele origin: germline.
Comment: In summary, the available evidence is currently insufficient to determine the role of this variant in disease. Therefore, it has been classified as a Variant of Uncertain Significance. Algorithms developed to predict the effect of sequence changes on RNA splicing suggest that this variant may disrupt the consensus splice site, but this prediction has not been confirmed by published transcriptional studies. This variant has not been reported in the literature in individuals with ATM-related disease. This variant is not present in population databases (ExAC no frequency). This sequence change falls in intron 23 of the ATM gene. It does not directly change the encoded amino acid sequence of the ATM protein.